The following is an entry in ClinVar:

ClinVar aggregate classification (germline): Uncertain significance (1 of 4 stars; one submission).

Conditions:
Hereditary sensory and autonomic neuropathy type 6. Also called: HSAN VI; Neuropathy, hereditary sensory and autonomic, type VI. Identifiers: Orphanet 314381, MedGen C3539003, MONDO:0013839, OMIM 614653.
Epidermolysis bullosa simplex 3, localized or generalized intermediate, with BP230 deficiency (EBS3). Also called: Epidermolysis bullosa simplex due to BP230 deficiency; Epidermolysis bullosa simplex, autosomal recessive 2. Identifiers: Orphanet 412181, MedGen C3809470, MONDO:0014180, OMIM 615425.

Submission:

Labcorp Genetics (formerly Invitae), Labcorp
Classification: Uncertain significance for Epidermolysis bullosa simplex 3, localized or generalized intermediate, with BP230 deficiency; Hereditary sensory and autonomic neuropathy type 6. Last evaluated: 2022-05-30. Review status: criteria provided, single submitter. Criteria: Invitae Variant Classification Sherloc (09022015). Collection method: clinical testing. Allele origin: germline.
Comment: This variant has not been reported in the literature in individuals affected with DST-related conditions. Experimental studies and prediction algorithms are not available or were not evaluated, and the effect of this variant on mRNA splicing is currently unknown. This variant is not present in population databases (gnomAD no frequency). This sequence change falls in intron 23 of the DST gene. It does not directly change the encoded amino acid sequence of the DST protein. The DST gene has multiple clinically relevant transcripts. This variant occurs in alternate transcript NM_015548.4, and corresponds to NM_001723.5:c.*3913C>T in the primary transcript. In summary, the available evidence is currently insufficient to determine the role of this variant in disease. Therefore, it has been classified as a Variant of Uncertain Significance.

NM_001374736.1(DST):c.5059-8C>T

Gene: DST (dystonin; minus strand). Cytogenetic location: 6p12.1.
Variant type: single nucleotide variant.
Coding change: c.5059-8C>T on transcript NM_001374736.1 (MANE Select); 8 bases into the intron before coding-DNA position 5059, C replaced by T.
Molecular consequence: intron variant.
Genome position (GRCh38, 1-based): chr6:56,611,604, G>A on the plus strand (C>T on the coding strand, the complement: DST is on the minus strand). VCF-style: chr6-56611604-G-A. GRCh37 (hg19) VCF-style: chr6-56476402-G-A.
Other names: c.4960-8C>T (NM_001144769.5); c.5059-8C>T (NM_001374722.1); c.5086-8C>T (NM_001374734.1); c.4546-8C>T (NM_001144770.2); c.4426-8C>T (NM_001374730.1, NM_001386100.1, NM_183380.4 and 1 more transcripts); c.3448-8C>T (NM_015548.5).
Identifiers: ClinVar variation 2001266 (VCV002001266.4), dbSNP rs2536498834, ClinGen allele CA2580075577.
Genomic context (GRCh38, chr6:56,611,604, plus strand): 5'-TGAAGTGCTTCCGATAATTGTTCCTTCTTGGTTGATATTTCCTCACTGGAAATCTGTAAG[G>A]TAAAGAAGGCACATTCAAACTCTTCCTCCAAAAGGAGTAAACAGTATTTTTTTTAAAAAA-3'